The following is an entry in ClinVar:

NM_000530.8(MPZ):c.347A>G (p.Asn116Ser)

Gene: MPZ (myelin protein zero; minus strand). Cytogenetic location: 1q23.3.
Variant type: single nucleotide variant.
Coding change: c.347A>G on transcript NM_000530.8 (MANE Select); coding-DNA position 347, A replaced by G.
Protein change: p.Asn116Ser; replaces asparagine 116 with serine.
Molecular consequence: missense variant.
Genome position (GRCh38, 1-based): chr1:161,306,809, T>C on the plus strand (A>G on the coding strand, the complement: MPZ is on the minus strand). VCF-style: chr1-161306809-T-C. GRCh37 (hg19) VCF-style: chr1-161276599-T-C.
Other names: c.347A>G, p.Asn116Ser (LRG_256t1, NM_001315491.2); short protein forms N116S.
Identifiers: ClinVar variation 41026 (VCV000041026.50), dbSNP rs281865130, ClinGen allele CA343914.
Genomic context (GRCh38, chr1:161,306,809, plus strand): 5'-ACTATGTCTGGAGGGTTTTTGACGTCACAAGTGAACGTGCCATTGTCACTGTAGTCTAGG[T>C]TGTGTATGACAATGGAGCCATCCTTCCAGCGAGGGTCCCCTACCCACTGGATGCGCTCTT-3'
Protein context (NP_000521.2, residues 106-126): RWKDGSIVIH[Asn116Ser]LDYSDNGTFT

ClinVar aggregate classification (germline): Uncertain significance. Review status: criteria provided, multiple submitters, no conflicts (2 of 4 stars). 6 submissions from 6 submitters: Uncertain significance (4). 2 of the submissions do not count toward it. Last evaluated 2024-02-17.

Conditions:
Inborn genetic diseases. Identifiers: MedGen C0950123, MeSH D030342.
Charcot-Marie-Tooth disease. Also called: Charcot-Marie-Tooth Neuropathy; Charcot-Marie-Tooth Hereditary Neuropathy. Identifiers: Orphanet 166, MedGen C0007959, MONDO:0015626.
Charcot-Marie-Tooth disease, type I (CMT1). Also called: Charcot-Marie-Tooth, Type 1; Charcot-Marie-Tooth disease type 1. Identifiers: Orphanet 65753, MedGen C0751036, MONDO:0019011.
Charcot-Marie-Tooth disease type 1B. Also called: HEREDITARY MOTOR AND SENSORY NEUROPATHY I; HEREDITARY MOTOR AND SENSORY NEUROPATHY IB; CHARCOT-MARIE-TOOTH DISEASE, AUTOSOMAL DOMINANT, WITH FOCALLY FOLDED MYELIN SHEATHS, TYPE 1B; CHARCOT-MARIE-TOOTH DISEASE, SLOW NERVE CONDUCTION TYPE, LINKED TO DUFFY; CHARCOT-MARIE-TOOTH NEUROPATHY, TYPE 1B; Charcot-Marie-Tooth disease, demyelinating, type 1b. Identifiers: Orphanet 101082, MedGen C0270912, MONDO:0007307, OMIM 118200.
Charcot-Marie-Tooth disease type 2I (CMT2I). Also called: CHARCOT-MARIE-TOOTH DISEASE, AXONAL, TYPE 2I. Identifiers: Orphanet 99942, MedGen C3888087, MONDO:0011889, OMIM 607677.

Allele frequency attached by ClinVar (database versions not stated): gnomAD exomes below 0.00001.
gnomAD v4.1: 2 of 1,613,800 alleles (0.00012%); highest among the groups gnomAD compares: Non-Finnish European, 0.00017%; no homozygotes.

Submissions (6):

Labcorp Genetics (formerly Invitae), Labcorp
Classification: Uncertain significance for Charcot-Marie-Tooth disease, type I. Last evaluated: 2024-02-17. Review status: criteria provided, single submitter. Criteria: Invitae Variant Classification Sherloc (09022015). Collection method: clinical testing. Allele origin: germline.
Comment: This sequence change replaces asparagine, which is neutral and polar, with serine, which is neutral and polar, at codon 116 of the MPZ protein (p.Asn116Ser). This variant is not present in population databases (gnomAD no frequency). This missense change has been observed in individual(s) with axonal neuropathy and/or Charcot-Marie-Tooth disease (PMID: 20556410, 36203352). ClinVar contains an entry for this variant (Variation ID: 41026). Advanced modeling of protein sequence and biophysical properties (such as structural, functional, and spatial information, amino acid conservation, physicochemical variation, residue mobility, and thermodynamic stability) performed at Invitae indicates that this missense variant is not expected to disrupt MPZ protein function with a negative predictive value of 80%. In summary, the available evidence is currently insufficient to determine the role of this variant in disease. Therefore, it has been classified as a Variant of Uncertain Significance.

Ambry Genetics
Classification: Uncertain significance for Inborn genetic diseases. Last evaluated: 2021-03-31. Review status: criteria provided, single submitter. Criteria: Ambry Variant Classification Scheme 2023. Collection method: clinical testing. Allele origin: germline.
Comment: The p.N116S variant (also known as c.347A>G), located in coding exon 3 of the MPZ gene, results from an A to G substitution at nucleotide position 347. The asparagine at codon 116 is replaced by serine, an amino acid with highly similar properties. This alteration was detected in the heterozygous state in a patient with Charcot-Marie-Tooth disease (Kleffner I et al. J Neurol, 2010 Nov;257:1864-8). Other alterations at this amino acid position (p.N116Y and p.N116H) have also been reported in patients with Charcot-Marie-Tooth disease (Takashima H et al. Genet Med;3:335-42; Gentile L et al. Neurol Sci, 2020 May;41:1239-1243). This amino acid position is highly conserved in available vertebrate species. In addition, the in silico prediction for this alteration is inconclusive. Since supporting evidence is limited at this time, the clinical significance of this alteration remains unclear.

CENTOGENE GmbH and LLC - Guiding Precision Medicine
Classification: Uncertain significance for Charcot-Marie-Tooth disease type 2I. Last evaluated: 2019-11-26. Review status: criteria provided, single submitter. Criteria: ACMG Guidelines, 2015. Collection method: clinical testing. Allele origin: germline. Affected: yes.

CeGaT Center for Human Genetics Tuebingen
Classification: Uncertain significance. Last evaluated: 2018-05-01. Review status: criteria provided, single submitter. Criteria: CeGaT Center For Human Genetics Tuebingen Variant Classification Criteria Version 2. Collection method: clinical testing. Allele origin: germline. Affected: yes. Observed: 1 variant allele.

GeneReviews
No classification provided. Condition: Charcot-Marie-Tooth disease type 1B. Review status: no classification provided. Collection method: literature only. Allele origin: germline. Affected: yes. Not counted in ClinVar's aggregate classification.

Inherited Neuropathy Consortium
Classification: Uncertain significance for Charcot-Marie-Tooth disease. Review status: no assertion criteria provided. Collection method: literature only. Allele origin: germline. Affected: yes. Not counted in ClinVar's aggregate classification.

Literature cited by the submitters: PubMed 20556410 (cited by 3 submitters); PubMed 36203352 (cited by Labcorp Genetics (formerly Invitae), Labcorp); PubMed 11545686 (cited by Ambry Genetics); PubMed 31902012 (cited by Ambry Genetics); NCBI Bookshelf NBK1205 (cited by GeneReviews).